The following is an entry in ClinVar:

ClinVar aggregate classification (germline): Uncertain significance (1 of 4 stars; one submission).

Conditions:
Familial meningioma. Also called: Meningioma, familial, susceptibility to. Identifiers: Orphanet 263662, MedGen C3551915, MONDO:0011789, OMIM 607174.

Allele frequency attached by ClinVar (database versions not stated): gnomAD exomes below 0.00001.
gnomAD v4.1: 2 of 1,612,170 alleles (0.00012%); highest among the groups gnomAD compares: South Asian, 0.0011%; no homozygotes.

Submission:

Labcorp Genetics (formerly Invitae), Labcorp
Classification: Uncertain significance for Familial meningioma. Last evaluated: 2024-11-16. Review status: criteria provided, single submitter. Criteria: Invitae Variant Classification Sherloc (09022015). Collection method: clinical testing. Allele origin: germline.
Comment: This sequence change replaces serine, which is neutral and polar, with glycine, which is neutral and non-polar, at codon 32 of the SMARCE1 protein (p.Ser32Gly). This variant is present in population databases (no rsID available, gnomAD 0.0009%). This variant has not been reported in the literature in individuals affected with SMARCE1-related conditions. ClinVar contains an entry for this variant (Variation ID: 648015). Invitae Evidence Modeling of protein sequence and biophysical properties (such as structural, functional, and spatial information, amino acid conservation, physicochemical variation, residue mobility, and thermodynamic stability) indicates that this missense variant is not expected to disrupt SMARCE1 protein function with a negative predictive value of 80%. In summary, the available evidence is currently insufficient to determine the role of this variant in disease. Therefore, it has been classified as a Variant of Uncertain Significance.

NM_003079.5(SMARCE1):c.94A>G (p.Ser32Gly)

Gene: SMARCE1 (SWI/SNF related BAF chromatin remodeling complex subunit E1; minus strand). Cytogenetic location: 17q21.2.
Variant type: single nucleotide variant.
Coding change: c.94A>G on transcript NM_003079.5 (MANE Select); coding-DNA position 94, A replaced by G.
Protein change: p.Ser32Gly; replaces serine 32 with glycine.
Molecular consequence: missense variant.
Genome position (GRCh38, 1-based): chr17:40,642,517, T>C on the plus strand (A>G on the coding strand, the complement: SMARCE1 is on the minus strand). VCF-style: chr17-40642517-T-C. GRCh37 (hg19) VCF-style: chr17-38798769-T-C.
Other names: short protein forms S32G.
Identifiers: ClinVar variation 648015 (VCV000648015.8), dbSNP rs1162139233, ClinGen allele CA399369858.